The following is an entry in ClinVar:

ClinVar aggregate classification (germline): Likely benign (0 of 4 stars; one submission).

Conditions:
LRP1B-related disorder. Also called: LRP1B-related condition.

Allele frequency attached by ClinVar (database versions not stated): gnomAD 0.00002; gnomAD exomes 0.00006; ExAC 0.00009.
gnomAD v4.1: 85 of 1,612,540 alleles (0.0053%); highest among the groups gnomAD compares: South Asian, 0.085%; no homozygotes.

Submission:

PreventionGenetics, part of Exact Sciences
Classification: Likely benign for LRP1B-related condition. Last evaluated: 2019-04-02. Review status: no assertion criteria provided. Collection method: clinical testing. Allele origin: germline.
Comment: This variant is classified as likely benign based on ACMG/AMP sequence variant interpretation guidelines (Richards et al. 2015 PMID: 25741868, with internal and published modifications).

NM_018557.3(LRP1B):c.6714C>A (p.Thr2238=)

Gene: LRP1B (LDL receptor related protein 1B; minus strand). Cytogenetic location: 2q22.1.
Variant type: single nucleotide variant.
Coding change: c.6714C>A on transcript NM_018557.3 (MANE Select); coding-DNA position 6714, C replaced by A.
Protein change: p.Thr2238=; no amino-acid change (threonine 2238 retained).
Molecular consequence: synonymous variant.
Genome position (GRCh38, 1-based): chr2:140,700,335, G>T on the plus strand (C>A on the coding strand, the complement: LRP1B is on the minus strand). VCF-style: chr2-140700335-G-T. GRCh37 (hg19) VCF-style: chr2-141457904-G-T.
Identifiers: ClinVar variation 3058553 (VCV003058553.2), dbSNP rs755665413, ClinGen allele CA1894525.